The following is an entry in ClinVar:

ClinVar aggregate classification (germline): Likely benign. Review status: criteria provided, multiple submitters, no conflicts (2 of 4 stars). 3 submissions from 3 submitters: Likely benign (3). Last evaluated 2024-03-13.

Conditions:
Aortic aneurysm, familial thoracic 4 (AAT4). Also called: AORTIC ANEURYSM/AORTIC DISSECTION AND PATENT DUCTUS ARTERIOSUS. Identifiers: MedGen C1851504, MONDO:0007568, OMIM 132900.

Allele frequency attached by ClinVar (database versions not stated): TOPMed 0.00002.
gnomAD v4.1: 43 of 1,613,624 alleles (0.0027%); highest among the groups gnomAD compares: Non-Finnish European, 0.0036%; no homozygotes.

Submissions (3):

Labcorp Genetics (formerly Invitae), Labcorp
Classification: Likely benign for Aortic aneurysm, familial thoracic 4. Last evaluated: 2024-03-13. Review status: criteria provided, single submitter. Criteria: Invitae Variant Classification Sherloc (09022015). Collection method: clinical testing. Allele origin: germline.

Blueprint Genetics
Classification: Likely benign. Last evaluated: 2022-09-16. Review status: criteria provided, single submitter. Criteria: ACMG Guidelines, 2015. Collection method: clinical testing. Allele origin: germline.

GeneDx
Classification: Likely benign. Last evaluated: 2017-08-01. Review status: criteria provided, single submitter. Criteria: GeneDx Variant Classification (06012015). Collection method: clinical testing. Allele origin: germline. Affected: yes.
Comment: This variant is considered likely benign or benign based on one or more of the following criteria: it is a conservative change, it occurs at a poorly conserved position in the protein, it is predicted to be benign by multiple in silico algorithms, and/or has population frequency not consistent with disease.

NM_002474.3(MYH11):c.5082+20G>A

Genes: MYH11 (myosin heavy chain 11; minus strand), NDE1 (nudE neurodevelopment protein 1; plus strand). Cytogenetic location: 16p13.11.
Variant type: single nucleotide variant.
Coding change: c.5082+20G>A on transcript NM_002474.3 (MANE Select); 20 bases into the intron after coding-DNA position 5082, G replaced by A.
Molecular consequence: intron variant.
Genome position (GRCh38, 1-based): chr16:15,719,565, C>T on the plus strand (G>A on the coding strand, the complement: MYH11 is on the minus strand). VCF-style: chr16-15719565-C-T. GRCh37 (hg19) VCF-style: chr16-15813422-C-T.
Other names: c.948-4626C>T (NM_001143979.2, NM_017668.3); c.5082+20G>A (NM_022844.3); c.5103+20G>A (NM_001040114.2, NM_001040113.2).
Identifiers: ClinVar variation 511172 (VCV000511172.6), dbSNP rs527381094, ClinGen allele CA621181233.